The following is an entry in ClinVar:

ClinVar aggregate classification (germline): Uncertain significance (1 of 4 stars; one submission).

gnomAD v4.1: 1 of 1,613,774 alleles (0.000062%); highest among the groups gnomAD compares: Non-Finnish European, 0.000085%; no homozygotes.

Submission:

CeGaT Center for Human Genetics Tuebingen
Classification: Uncertain significance. Last evaluated: 2025-09-01. Review status: criteria provided, single submitter. Criteria: CeGaT Center For Human Genetics Tuebingen Variant Classification Criteria Version 2. Collection method: clinical testing. Allele origin: germline. Affected: yes. Observed: 1 variant allele.
Comment: ASXL2: PM2, BP4

NM_018263.6(ASXL2):c.3054G>T (p.Gln1018His)

Gene: ASXL2 (ASXL transcriptional regulator 2; minus strand). Cytogenetic location: 2p23.3.
Variant type: single nucleotide variant.
Coding change: c.3054G>T on transcript NM_018263.6 (MANE Select); coding-DNA position 3054, G replaced by T.
Protein change: p.Gln1018His; replaces glutamine 1018 with histidine.
Molecular consequence: missense variant.
Genome position (GRCh38, 1-based): chr2:25,743,283, C>A on the plus strand (G>T on the coding strand, the complement: ASXL2 is on the minus strand). VCF-style: chr2-25743283-C-A. GRCh37 (hg19) VCF-style: chr2-25966152-C-A.
Other names: c.2880G>T, p.Gln960His (NM_001369346.1); c.2274G>T, p.Gln758His (NM_001369347.1); short protein forms Q1018H, Q758H, Q960H.
Identifiers: ClinVar variation 4281134 (VCV004281134.7).